The following is an entry in ClinVar:

ClinVar aggregate classification (germline): Uncertain significance. Review status: criteria provided, multiple submitters, no conflicts (2 of 4 stars). 2 submissions from 2 submitters: Uncertain significance (2). Last evaluated 2025-08-20.

Conditions:
Inborn genetic diseases. Identifiers: MedGen C0950123, MeSH D030342.
Fanconi anemia (FA). Also called: Fanconi's anemia. Identifiers: Orphanet 84, MedGen C0015625, MeSH D005199, MONDO:0019391.

Submissions (2):

Ambry Genetics
Classification: Uncertain significance for Inborn genetic diseases. Last evaluated: 2025-08-20. Review status: criteria provided, single submitter. Criteria: Ambry Variant Classification Scheme 2023. Collection method: clinical testing. Allele origin: germline.
Comment: The p.S661A variant (also known as c.1981T>G), located in coding exon 11 of the FANCM gene, results from a T to G substitution at nucleotide position 1981. The serine at codon 661 is replaced by alanine, an amino acid with similar properties. This amino acid position is conserved. In addition, this alteration is predicted to be tolerated by in silico analysis. Based on the available evidence, the clinical significance of this variant remains unclear.

Labcorp Genetics (formerly Invitae), Labcorp
Classification: Uncertain significance for Fanconi anemia. Last evaluated: 2023-03-16. Review status: criteria provided, single submitter. Criteria: Invitae Variant Classification Sherloc (09022015). Collection method: clinical testing. Allele origin: germline.
Comment: This sequence change replaces serine, which is neutral and polar, with alanine, which is neutral and non-polar, at codon 661 of the FANCM protein (p.Ser661Ala). This variant is not present in population databases (gnomAD no frequency). This variant has not been reported in the literature in individuals affected with FANCM-related conditions. An algorithm developed to predict the effect of missense changes on protein structure and function (PolyPhen-2) suggests that this variant is likely to be tolerated. In summary, the available evidence is currently insufficient to determine the role of this variant in disease. Therefore, it has been classified as a Variant of Uncertain Significance.

NM_020937.4(FANCM):c.1981T>G (p.Ser661Ala)

Gene: FANCM (FA complementation group M; plus strand). Cytogenetic location: 14q21.2.
Variant type: single nucleotide variant.
Coding change: c.1981T>G on transcript NM_020937.4 (MANE Select); coding-DNA position 1981, T replaced by G.
Protein change: p.Ser661Ala; replaces serine 661 with alanine.
Molecular consequence: missense variant.
Genome position (GRCh38, 1-based): chr14:45,167,142, T>G. VCF-style: chr14-45167142-T-G. GRCh37 (hg19) VCF-style: chr14-45636345-T-G.
Other names: c.1903T>G, p.Ser635Ala (NM_001308133.2); c.1981T>G, p.Ser661Ala (NM_001308134.2); short protein forms S635A, S661A.
Identifiers: ClinVar variation 2902977 (VCV002902977.4), dbSNP rs1888040109, ClinGen allele CA389595189.